The following is an entry in ClinVar:

ClinVar aggregate classification (germline): Likely benign. Review status: criteria provided, multiple submitters, no conflicts (2 of 4 stars). 2 submissions from 2 submitters: Likely benign (2). Last evaluated 2025-04-23.

Allele frequency attached by ClinVar (database versions not stated): gnomAD 0.00001; ExAC 0.00003; gnomAD exomes 0.00001; TOPMed 0.00002.
gnomAD v4.1: 22 of 1,611,078 alleles (0.0014%); highest among the groups gnomAD compares: Admixed American, 0.0033%; no homozygotes.

Submissions (2):

Labcorp Genetics (formerly Invitae), Labcorp
Classification: Likely benign. Last evaluated: 2025-04-23. Review status: criteria provided, single submitter. Criteria: Invitae Variant Classification Sherloc (09022015). Collection method: clinical testing. Allele origin: germline.

CeGaT Center for Human Genetics Tuebingen
Classification: Likely benign. Last evaluated: 2023-04-01. Review status: criteria provided, single submitter. Criteria: CeGaT Center For Human Genetics Tuebingen Variant Classification Criteria Version 2. Collection method: clinical testing. Allele origin: germline. Affected: yes. Observed: 1 variant allele.
Comment: APC2: BP4, BP7

NM_005883.3(APC2):c.12C>T (p.Ser4=)

Gene: APC2 (APC regulator of Wnt signaling pathway 2; plus strand). Cytogenetic location: 19p13.3.
Variant type: single nucleotide variant.
Coding change: c.12C>T on transcript NM_005883.3 (MANE Select); coding-DNA position 12, C replaced by T.
Protein change: p.Ser4=; no amino-acid change (serine 4 retained).
Molecular consequence: synonymous variant.
Genome position (GRCh38, 1-based): chr19:1,453,013, C>T. VCF-style: chr19-1453013-C-T. GRCh37 (hg19) VCF-style: chr19-1453012-C-T.
Other names: c.12C>T, p.Ser4= (NM_001351273.1).
Identifiers: ClinVar variation 2648923 (VCV002648923.25), dbSNP rs763412469, ClinGen allele CA9044578.